The following is an entry in ClinVar:

NM_000276.4(OCRL):c.1738C>T (p.Arg580Trp)

Gene: OCRL (OCRL inositol polyphosphate-5-phosphatase; plus strand). Cytogenetic location: Xq26.1.
Variant type: single nucleotide variant.
Coding change: c.1738C>T on transcript NM_000276.4 (MANE Select); coding-DNA position 1738, C replaced by T.
Protein change: p.Arg580Trp; replaces arginine 580 with tryptophan.
Molecular consequence: missense variant.
Genome position (GRCh38, 1-based): chrX:129,575,921, C>T. VCF-style: chrX-129575921-C-T. GRCh37 (hg19) VCF-style: chrX-128709898-C-T.
Other names: c.1741C>T, p.Arg581Trp (NM_001318784.2); c.1738C>T, p.Arg580Trp (NM_001587.4); short protein forms R580W, R581W.
Identifiers: ClinVar variation 4740568 (VCV004740568.1).
Genomic context (GRCh38, chrX:129,575,921, plus strand): 5'-AGTGATGCATGTTTGTGTCTGTCTGTTATTCCCCAGTTTGTGTTTGAAAATGTGAAGTTT[C>T]GGCAACTACAAAAGGAGAAGTTCCAGATCAGCAACAATGGACAGGTTCCCTGCCATTTTT-3'
Protein context (NP_000267.2, residues 570-590): REFVFENVKF[Arg580Trp]QLQKEKFQIS

ClinVar aggregate classification (germline): Uncertain significance (1 of 4 stars; one submission).

Conditions:
Lowe syndrome (OCRL). Also called: LOWE OCULOCEREBRORENAL SYNDROME; PHOSPHATIDYLINOSITOL 4,5-BISPHOSPHATE 5-PHOSPHATASE DEFICIENCY; Oculocerebrorenal Syndrome. Identifiers: Orphanet 534, MedGen C0028860, MONDO:0010645, OMIM 309000.

gnomAD v4.1: 29 of 1,211,764 alleles (0.0024%); highest among the groups gnomAD compares: Non-Finnish European, 0.0032%; no homozygotes.

Submission:

Labcorp Genetics (formerly Invitae), Labcorp
Classification: Uncertain significance for Lowe syndrome. Last evaluated: 2025-11-03. Review status: criteria provided, single submitter. Criteria: Invitae Variant Classification Sherloc (09022015). Collection method: clinical testing. Allele origin: germline.
Comment: This sequence change replaces arginine, which is basic and polar, with tryptophan, which is neutral and slightly polar, at codon 580 of the OCRL protein (p.Arg580Trp). This variant is present in population databases (no rsID available, gnomAD 0.001%). This variant has not been reported in the literature in individuals affected with OCRL-related conditions. Invitae Evidence Modeling of protein sequence and biophysical properties (such as structural, functional, and spatial information, amino acid conservation, physicochemical variation, residue mobility, and thermodynamic stability) indicates that this missense variant is not expected to disrupt OCRL protein function with a negative predictive value of 80%. In summary, the available evidence is currently insufficient to determine the role of this variant in disease. Therefore, it has been classified as a Variant of Uncertain Significance.